The following is an entry in ClinVar:

ClinVar aggregate classification (germline): Benign/Likely benign. Review status: criteria provided, multiple submitters, no conflicts (2 of 4 stars). 4 submissions from 4 submitters: Benign (1); Likely benign (3). Last evaluated 2025-07-18.

Conditions:
Epilepsy, X-linked 1, with variable learning disabilities and behavior disorders. Also called: X-linked epilepsy-learning disabilities-behavior disorders syndrome. Identifiers: Orphanet 85294, MedGen C5774177, MONDO:0010339, OMIM 300491.
Inborn genetic diseases. Identifiers: MedGen C0950123, MeSH D030342.

Allele frequency attached by ClinVar (database versions not stated): gnomAD 0.00005; gnomAD exomes 0.00005 and 0.00009; ExAC 0.00013; TOPMed 0.00014.
gnomAD v4.1: 60 of 1,210,215 alleles (0.005%); highest among the groups gnomAD compares: East Asian, 0.083%; no homozygotes.

Submissions (4):

Labcorp Genetics (formerly Invitae), Labcorp
Classification: Likely benign for Epilepsy, X-linked 1, with variable learning disabilities and behavior disorders. Last evaluated: 2025-07-18. Review status: criteria provided, single submitter. Criteria: Invitae Variant Classification Sherloc (09022015). Collection method: clinical testing. Allele origin: germline.

Blueprint Genetics
Classification: Likely benign. Last evaluated: 2022-02-07. Review status: criteria provided, single submitter. Criteria: ACMG Guidelines, 2015. Collection method: clinical testing. Allele origin: germline.

Ambry Genetics
Classification: Likely benign for Inborn genetic diseases. Last evaluated: 2016-05-14. Review status: criteria provided, single submitter. Criteria: Ambry Variant Classification Scheme 2023. Collection method: clinical testing. Allele origin: germline.

GeneDx
Classification: Benign. Last evaluated: 2015-09-11. Review status: criteria provided, single submitter. Criteria: GeneDx Variant Classification (06012015). Collection method: clinical testing. Allele origin: germline. Affected: yes.
Comment: This variant is considered likely benign or benign based on one or more of the following criteria: it is a conservative change, it occurs at a poorly conserved position in the protein, it is predicted to be benign by multiple in silico algorithms, and/or has population frequency not consistent with disease.

NM_006950.3(SYN1):c.1026G>A (p.Ala342=)

Gene: SYN1 (synapsin I; minus strand). Cytogenetic location: Xp11.3.
Variant type: single nucleotide variant.
Coding change: c.1026G>A on transcript NM_006950.3 (MANE Select); coding-DNA position 1026, G replaced by A.
Protein change: p.Ala342=; no amino-acid change (alanine 342 retained).
Molecular consequence: synonymous variant.
Genome position (GRCh38, 1-based): chrX:47,576,361, C>T on the plus strand (G>A on the coding strand, the complement: SYN1 is on the minus strand). VCF-style: chrX-47576361-C-T. GRCh37 (hg19) VCF-style: chrX-47435760-C-T.
Other names: c.1026G>A, p.Ala342= (NM_133499.2).
Identifiers: ClinVar variation 378697 (VCV000378697.15), dbSNP rs777301855, ClinGen allele CA10398429.